The following is an entry in ClinVar:

NM_020975.6(RET):c.988C>T (p.Arg330Trp)

Gene: RET (ret proto-oncogene; plus strand). Cytogenetic location: 10q11.21.
Variant type: single nucleotide variant.
Coding change: c.988C>T on transcript NM_020975.6 (MANE Select); coding-DNA position 988, C replaced by T.
Protein change: p.Arg330Trp; replaces arginine 330 with tryptophan.
Molecular consequence: missense variant.
Genome position (GRCh38, 1-based): chr10:43,106,496, C>T. VCF-style: chr10-43106496-C-T. GRCh37 (hg19) VCF-style: chr10-43601944-C-T.
Other names: c.988C>T, p.Arg330Trp (NM_000323.2, NM_001406743.1, NM_001406744.1 and 6 more transcripts); c.226C>T, p.Arg76Trp (NM_001355216.2); c.859C>T, p.Arg287Trp (NM_001406761.1, NM_001406762.1, NM_001406764.1 and 1 more transcripts); c.700C>T, p.Arg234Trp (NM_001406766.1, NM_001406767.1, NM_001406770.1); short protein forms R330W, R76W, R287W, R234W.
Identifiers: ClinVar variation 449410 (VCV000449410.12), dbSNP rs1172318035, ClinGen allele CA376546267.

ClinVar aggregate classification (germline): Uncertain significance. Review status: criteria provided, multiple submitters, no conflicts (2 of 4 stars). 3 submissions from 3 submitters: Uncertain significance (3). Last evaluated 2025-12-05.

Conditions:
RET-related disorder. Also called: RET-related disorders; RET-related condition; RET-related disease.
Multiple endocrine neoplasia, type 2 (MEN2). Identifiers: Orphanet 653, MedGen C4048306, MONDO:0019003. Disease mechanism: gain of function.

Submissions (3):

PreventionGenetics, part of Exact Sciences
Classification: Uncertain significance for RET-related condition. Last evaluated: 2025-12-05. Review status: criteria provided, single submitter. Criteria: ACMG Guidelines, 2015. Collection method: clinical testing. Allele origin: germline.
Comment: The RET c.988C>T variant is predicted to result in the amino acid substitution p.Arg330Trp. This variant has been reported in an individual with Hirschsprung disease (Hofstra et al. 2000. PubMed ID: 10790203) and has been reported as a somatic change in an adenocarcinoma specimen (Pothuri et al. 2021. PubMed ID: 33982365). An alternate missense change at the same amino acid position (p.Arg330Gln) has been reported in individuals with Hirschsprung disease suggesting this residue may be critical to protein function (Edery et al. 1994. PubMed ID: 8114939; Attié et al. 1995. PubMed ID: 7581377; Lorente-Ros et al. 2020. PubMed ID: 34092334). The c.988C>T (p.Arg330Trp) variant has not been reported in a large population database (gnomAD), indicating this variant is rare. Although we suspect that this variant may be pathogenic, at this time, the clinical significance of this variant is uncertain due to the absence of conclusive functional and genetic evidence.

Labcorp Genetics (formerly Invitae), Labcorp
Classification: Uncertain significance for Multiple endocrine neoplasia, type 2. Last evaluated: 2024-08-01. Review status: criteria provided, single submitter. Criteria: Invitae Variant Classification Sherloc (09022015). Collection method: clinical testing. Allele origin: germline.
Comment: This sequence change replaces arginine, which is basic and polar, with tryptophan, which is neutral and slightly polar, at codon 330 of the RET protein (p.Arg330Trp). This variant is not present in population databases (gnomAD no frequency). This missense change has been observed in individual(s) with Hirschsprung's disease (PMID: 10790203; Invitae). ClinVar contains an entry for this variant (Variation ID: 449410). An algorithm developed to predict the effect of missense changes on protein structure and function (PolyPhen-2) suggests that this variant is likely to be disruptive. This variant disrupts the p.Arg330 amino acid residue in RET. Other variant(s) that disrupt this residue have been determined to be pathogenic (PMID: 7581377, 7633441, 8114939, 8894691). This suggests that this residue is clinically significant, and that variants that disrupt this residue are likely to be disease-causing. In summary, the available evidence is currently insufficient to determine the role of this variant in disease. Therefore, it has been classified as a Variant of Uncertain Significance.

GeneDx
Classification: Uncertain significance. Last evaluated: 2017-07-27. Review status: criteria provided, single submitter. Criteria: GeneDx Variant Classification (06012015). Collection method: clinical testing. Allele origin: germline. Affected: yes.
Comment: The R330W variant in the RET gene has been observed in at least one individual with a reported diagnosis of familial Hirschsprung disease (Hofstra et al., 2000). This variant was not observed in large population cohorts (NHLBI Exome Sequencing Project, The 1000 Genomes Consortium 2015, Lek et al., 2016). Since Arginine and Tryptophan differ in polarity, charge, size or other properties, this is considered a non-conservative amino acid substitution. This substitution occurs at a position that is conserved across species, and in silico analyses predict that this variant is probably damaging to protein structure and/or function. A missense variant at this same residue (R330Q) has been reported in an individual with Hirschprung disease (Edery et al., 1994), supporting the functional importance of this residue of the protein. We interpret R330W as a variant of uncertain significance.

Literature cited by the submitters: PubMed 10790203 (cited by Labcorp Genetics (formerly Invitae), Labcorp); PubMed 7581377 (cited by Labcorp Genetics (formerly Invitae), Labcorp); PubMed 7633441 (cited by Labcorp Genetics (formerly Invitae), Labcorp); PubMed 8114939 (cited by Labcorp Genetics (formerly Invitae), Labcorp); PubMed 8894691 (cited by Labcorp Genetics (formerly Invitae), Labcorp).